The following is an entry in ClinVar:

NM_004444.5(EPHB4):c.29C>T (p.Ala10Val)

Genes: EPHB4 (EPH receptor B4; minus strand), SLC12A9 (solute carrier family 12 member 9; plus strand). Cytogenetic location: 7q22.1.
Variant type: single nucleotide variant.
Coding change: c.29C>T on transcript NM_004444.5 (MANE Select); coding-DNA position 29, C replaced by T.
Protein change: p.Ala10Val; replaces alanine 10 with valine.
Molecular consequence: missense variant. On other transcripts: 5 prime UTR variant (1).
Genome position (GRCh38, 1-based): chr7:100,827,002, G>A on the plus strand (C>T on the coding strand, the complement: EPHB4 is on the minus strand). VCF-style: chr7-100827002-G-A. GRCh37 (hg19) VCF-style: chr7-100424624-G-A.
Other names: c.-27G>A (NM_001363494.1); short protein forms A10V.
Identifiers: ClinVar variation 4249956 (VCV004249956.1).

ClinVar aggregate classification (germline): Uncertain significance (1 of 4 stars; one submission).

Conditions:
Cardiovascular phenotype. Identifiers: MedGen CN230736.

gnomAD v4.1: 16 of 1,578,138 alleles (0.001%); highest among the groups gnomAD compares: African/African-American, 0.0014%; no homozygotes.

Submission:

Ambry Genetics
Classification: Uncertain significance for Cardiovascular phenotype. Last evaluated: 2025-07-03. Review status: criteria provided, single submitter. Criteria: Ambry Variant Classification Scheme 2023. Collection method: clinical testing. Allele origin: germline.
Comment: The p.A10V variant (also known as c.29C>T), located in coding exon 1 of the EPHB4 gene, results from a C to T substitution at nucleotide position 29. The alanine at codon 10 is replaced by valine, an amino acid with similar properties. This amino acid position is conserved. In addition, this alteration is predicted to be tolerated by in silico analysis. Based on the available evidence, the clinical significance of this variant remains unclear.